The following is an entry in ClinVar:

ClinVar aggregate classification (germline): Uncertain significance. Review status: criteria provided, multiple submitters, no conflicts (2 of 4 stars). 2 submissions from 2 submitters: Uncertain significance (2). Last evaluated 2022-12-02.

Conditions:
Birt-Hogg-Dube syndrome. Also called: Birt Hogg Dubé syndrome. Identifiers: Orphanet 122, MedGen C0346010, MONDO:0800444.
Hereditary cancer-predisposing syndrome. Also called: Hereditary Cancer Syndrome; Hereditary neoplastic syndrome; Neoplastic Syndromes, Hereditary; Tumor predisposition. Identifiers: Orphanet 140162, MedGen C0027672, MeSH D009386, MONDO:0015356.

Submissions (2):

Ambry Genetics
Classification: Uncertain significance for Hereditary cancer-predisposing syndrome. Last evaluated: 2022-12-02. Review status: criteria provided, single submitter. Criteria: Ambry Variant Classification Scheme 2023. Collection method: clinical testing. Allele origin: germline.
Comment: The c.1412_1413delGCinsTT variant (also known as p.S471I), located in coding exon 9 of the FLCN gene, results from an in-frame deletion of GC and insertion of TT at nucleotide positions 1412 to 1413. This results in the substitution of the serine residue for an isoleucine residue at codon 471, an amino acid with dissimilar properties. This amino acid position is highly conserved in available vertebrate species. In addition, this alteration is predicted to be neutral by in silico analysis (Choi Y et al. PLoS ONE. 2012; 7(10):e46688). Since supporting evidence is limited at this time, the clinical significance of this alteration remains unclear.

Labcorp Genetics (formerly Invitae), Labcorp
Classification: Uncertain significance for Birt-Hogg-Dube syndrome. Last evaluated: 2022-11-12. Review status: criteria provided, single submitter. Criteria: Invitae Variant Classification Sherloc (09022015). Collection method: clinical testing. Allele origin: germline.
Comment: This sequence change replaces serine, which is neutral and polar, with isoleucine, which is neutral and non-polar, at codon 471 of the FLCN protein (p.Ser471Ile). Information on the frequency of this variant in the gnomAD database is not available, as this variant may be reported differently in the database. This variant has not been reported in the literature in individuals affected with FLCN-related conditions. Algorithms developed to predict the effect of missense changes on protein structure and function are either unavailable or do not agree on the potential impact of this missense change (SIFT: "Not Available"; PolyPhen-2: "Benign"; Align-GVGD: "Not Available"). In summary, the available evidence is currently insufficient to determine the role of this variant in disease. Therefore, it has been classified as a Variant of Uncertain Significance.

NM_144997.7(FLCN):c.1412_1413delinsTT (p.Ser471Ile)

Gene: FLCN (folliculin; minus strand). Cytogenetic location: 17p11.2.
Variant type: Indel.
Coding change: c.1412_1413delinsTT on transcript NM_144997.7 (MANE Select); coding-DNA positions 1412 to 1413, GC replaced by TT.
Protein change: p.Ser471Ile; replaces serine 471 with isoleucine.
Molecular consequence: missense variant.
Genome position (GRCh38, 1-based): chr17:17,215,204-17,215,205, GC replaced by AA on the plus strand (GC replaced by TT on the coding strand, the reverse complement: FLCN is on the minus strand). VCF-style: chr17-17215204-GC-AA. GRCh37 (hg19) VCF-style: chr17-17118518-GC-AA.
Other names: c.1466_1467delinsTT, p.Ser489Ile (NM_001353229.2); c.1412_1413delinsTT, p.Ser471Ile (NM_001353230.2, NM_001353231.2); short protein forms S471I, S489I.
Identifiers: ClinVar variation 2813918 (VCV002813918.4), dbSNP rs2544145404, ClinGen allele CA2739267185.